The following is an entry in ClinVar:

NM_003322.6(TULP1):c.597G>C (p.Lys199Asn)

Gene: TULP1 (TUB like protein 1; minus strand). Cytogenetic location: 6p21.31.
Variant type: single nucleotide variant.
Coding change: c.597G>C on transcript NM_003322.6 (MANE Select); coding-DNA position 597, G replaced by C.
Protein change: p.Lys199Asn; replaces lysine 199 with asparagine.
Molecular consequence: missense variant.
Genome position (GRCh38, 1-based): chr6:35,509,831, C>G on the plus strand (G>C on the coding strand, the complement: TULP1 is on the minus strand). VCF-style: chr6-35509831-C-G. GRCh37 (hg19) VCF-style: chr6-35477608-C-G.
Other names: c.438G>C, p.Lys146Asn (NM_001289395.2); short protein forms K146N, K199N.
Identifiers: ClinVar variation 1393438 (VCV001393438.6), dbSNP rs2150927395, ClinGen allele CA363782794.
Genomic context (GRCh38, chr6:35,509,831, plus strand): 5'-GCGTCACAACCCCCACCGCAACTGGAGTCCCCTGTTCCTCCCTAGGCTGGGCTCACCTTT[C>G]TTCTTGGTCTTTCTCATCTTGGTCCCCTCCCCTGCTGGAGCTTCCTTATTCCTAACACGC-3'
Protein context (NP_003313.3, residues 189-209): GEGTKMRKTK[Lys199Asn]KGSGEADKDP

ClinVar aggregate classification (germline): Uncertain significance (1 of 4 stars; one submission).

Submission:

Labcorp Genetics (formerly Invitae), Labcorp
Classification: Uncertain significance. Last evaluated: 2021-05-06. Review status: criteria provided, single submitter. Criteria: Invitae Variant Classification Sherloc (09022015). Collection method: clinical testing. Allele origin: germline.
Comment: This sequence change replaces lysine with asparagine at codon 199 of the TULP1 protein (p.Lys199Asn). The lysine residue is moderately conserved and there is a moderate physicochemical difference between lysine and asparagine. This variant is not present in population databases (ExAC no frequency). This variant has not been reported in the literature in individuals with TULP1-related conditions. Algorithms developed to predict the effect of missense changes on protein structure and function are either unavailable or do not agree on the potential impact of this missense change (SIFT: "Not Available"; PolyPhen-2: "Probably Damaging"; Align-GVGD: "Not Available"). In summary, the available evidence is currently insufficient to determine the role of this variant in disease. Therefore, it has been classified as a Variant of Uncertain Significance.